The following is an entry in ClinVar:

NM_002528.7(NTHL1):c.235T>G (p.Trp79Gly)

Gene: NTHL1 (nth like DNA glycosylase 1; minus strand). Cytogenetic location: 16p13.3.
Variant type: single nucleotide variant.
Coding change: c.235T>G on transcript NM_002528.7 (MANE Select); coding-DNA position 235, T replaced by G.
Protein change: p.Trp79Gly; replaces tryptophan 79 with glycine.
Molecular consequence: missense variant. On other transcripts: intron variant (1).
Genome position (GRCh38, 1-based): chr16:2,046,247, A>C on the plus strand (T>G on the coding strand, the complement: NTHL1 is on the minus strand). VCF-style: chr16-2046247-A-C. GRCh37 (hg19) VCF-style: chr16-2096248-A-C.
Other names: c.235T>G, p.Trp79Gly (LRG_1366t1, NM_001318193.2); c.24+33T>G (NM_001318194.2); c.259T>G (NM_002528.5); short protein forms W79G.
Identifiers: ClinVar variation 655307 (VCV000655307.6), dbSNP rs1596223048, ClinGen allele CA394297314.

ClinVar aggregate classification (germline): Uncertain significance. Review status: criteria provided, multiple submitters, no conflicts (2 of 4 stars). 2 submissions from 2 submitters: Uncertain significance (2). Last evaluated 2025-12-04.

Conditions:
Hereditary cancer-predisposing syndrome. Also called: Hereditary neoplastic syndrome; Tumor predisposition; Neoplastic Syndromes, Hereditary; Hereditary Cancer Syndrome. Identifiers: Orphanet 140162, MedGen C0027672, MeSH D009386, MONDO:0015356.

Allele frequency attached by ClinVar (database versions not stated): gnomAD exomes below 0.00001.
gnomAD v4.1: 2 of 1,613,234 alleles (0.00012%); highest among the groups gnomAD compares: Non-Finnish European, 0.00017%; no homozygotes.

Submissions (2):

Ambry Genetics
Classification: Uncertain significance for Hereditary cancer-predisposing syndrome. Last evaluated: 2025-12-04. Review status: criteria provided, single submitter. Criteria: Ambry Variant Classification Scheme 2023. Collection method: clinical testing. Allele origin: germline.
Comment: The p.W87G variant (also known as c.259T>G), located in coding exon 2 of the NTHL1 gene, results from a T to G substitution at nucleotide position 259. The tryptophan at codon 87 is replaced by glycine, an amino acid with highly dissimilar properties. This amino acid position is highly conserved in available vertebrate species. In addition, the in silico prediction for this alteration is inconclusive. Since supporting evidence is limited at this time, the clinical significance of this alteration remains unclear.

Labcorp Genetics (formerly Invitae), Labcorp
Classification: Uncertain significance. Last evaluated: 2025-09-10. Review status: criteria provided, single submitter. Criteria: Invitae Variant Classification Sherloc (09022015). Collection method: clinical testing. Allele origin: germline.
Comment: This sequence change replaces tryptophan, which is neutral and slightly polar, with glycine, which is neutral and non-polar, at codon 87 of the NTHL1 protein (p.Trp87Gly). This variant is not present in population databases (gnomAD no frequency). This variant has not been reported in the literature in individuals affected with NTHL1-related conditions. ClinVar contains an entry for this variant (Variation ID: 655307). An algorithm developed to predict the effect of missense changes on protein structure and function (PolyPhen-2) suggests that this variant is likely to be disruptive. In summary, the available evidence is currently insufficient to determine the role of this variant in disease. Therefore, it has been classified as a Variant of Uncertain Significance.